The following is an entry in ClinVar:

NM_000179.3(MSH6):c.2061T>A (p.Cys687Ter)

Gene: MSH6 (mutS homolog 6; plus strand). Cytogenetic location: 2p16.3.
Variant type: single nucleotide variant.
Coding change: c.2061T>A on transcript NM_000179.3 (MANE Select); coding-DNA position 2061, T replaced by A.
Protein change: p.Cys687Ter; replaces cysteine 687 with a stop codon.
Molecular consequence: nonsense.
Genome position (GRCh38, 1-based): chr2:47,800,044, T>A. VCF-style: chr2-47800044-T-A. GRCh37 (hg19) VCF-style: chr2-48027183-T-A.
Other names: c.1671T>A, p.Cys557Ter (NM_001281492.2); c.1155T>A, p.Cys385Ter (NM_001281493.2, NM_001281494.2); short protein forms C687*, C385*, C557*.
Identifiers: ClinVar variation 89246 (VCV000089246.31), dbSNP rs267608068, ClinGen allele CA009627.

ClinVar aggregate classification (germline): Pathogenic. Review status: reviewed by expert panel (3 of 4 stars). 13 submissions from 13 submitters: Pathogenic (1). 12 of the submissions do not count toward it. Last evaluated 2013-09-05.

Conditions:
Lynch syndrome. Identifiers: Orphanet 144, MedGen C4552100, MONDO:0005835. Disease mechanism: loss of function.
Lynch syndrome 5 (LYNCH5). Also called: Colorectal cancer, hereditary nonpolyposis, type 5; Hereditary non-polyposis colorectal cancer, type 5. Identifiers: Orphanet 144, MedGen C1833477, MONDO:0013710, OMIM 614350. Disease mechanism: loss of function.
Endometrial carcinoma. Also called: Endometrial carcinoma, somatic. Identifiers: MedGen C0476089, MONDO:0002447, OMIM 608089, HP:0012114.
Hereditary nonpolyposis colon cancer (HNPCC). Also called: Hereditary nonpolyposis colorectal cancer; Familial nonpolyposis colon cancer; Hereditary Nonpolyposis Colorectal Cancer Syndrome. Identifiers: Orphanet 443909, MedGen C1333990, MONDO:0018630. Disease mechanism: loss of function.
Hereditary cancer-predisposing syndrome. Also called: Neoplastic Syndromes, Hereditary; Hereditary Cancer Syndrome; Tumor predisposition; Hereditary neoplastic syndrome. Identifiers: Orphanet 140162, MedGen C0027672, MeSH D009386, MONDO:0015356.
MSH6-related disorder. Also called: MSH6-Related disorders; MSH6-related condition.
Inherited MMR deficiency (Lynch syndrome).
Hereditary nonpolyposis colorectal neoplasms. Identifiers: MedGen C0009405, MeSH D003123.

gnomAD v4.1: 2 of 1,614,144 alleles (0.00012%); highest among the groups gnomAD compares: Non-Finnish European, 0.000085%; no homozygotes.

Submissions (13):

International Society for Gastrointestinal Hereditary Tumours (InSiGHT)
Classification: Pathogenic for Lynch Syndrome. Last evaluated: 2013-09-05. Review status: reviewed by expert panel. Criteria: Guidelines v1.9. Collection method: research. Allele origin: germline.
Comment: Coding sequence variation resulting in a stop codon

Classified with v1.9 guidelines

Genetics Laboratory, Great Ormond Street Hospital NHS Foundation Trust, North Thames Genomic Laboratory Hub
Classification: Pathogenic for Inherited MMR deficiency (Lynch syndrome). Last evaluated: 2025-12-15. Review status: criteria provided, single submitter. Criteria: CanVIG MMR Gene Specific V1.7. Collection method: clinical testing. Allele origin: germline. Affected: yes. Not counted in ClinVar's aggregate classification.
Comment: PM2_supporting, PVS1_very-strong, PP4_supporting

Labcorp Genetics (formerly Invitae), Labcorp
Classification: Pathogenic for Hereditary nonpolyposis colorectal neoplasms. Last evaluated: 2024-11-24. Review status: criteria provided, single submitter. Criteria: Invitae Variant Classification Sherloc (09022015). Collection method: clinical testing. Allele origin: germline. Not counted in ClinVar's aggregate classification.
Comment: This sequence change creates a premature translational stop signal (p.Cys687*) in the MSH6 gene. It is expected to result in an absent or disrupted protein product. Loss-of-function variants in MSH6 are known to be pathogenic (PMID: 18269114, 24362816). This variant is not present in population databases (gnomAD no frequency). This premature translational stop signal has been observed in individual(s) with Lynch syndrome (PMID: 19324997). Invitae Evidence Modeling of clinical and family history, age, sex, and reported ancestry of multiple individuals with this MSH6 variant has been performed. This variant is expected to be pathogenic with a positive predictive value of at least 99%. This is a validated machine learning model that incorporates the clinical features of 1,370,736 individuals referred to our laboratory for MSH6 testing. ClinVar contains an entry for this variant (Variation ID: 89246). For these reasons, this variant has been classified as Pathogenic.

Blueprint Genetics
Classification: Pathogenic for MSH6-related disorders. Last evaluated: 2024-11-19. Review status: criteria provided, single submitter. Criteria: ACMG Guidelines, 2015. Collection method: clinical testing. Allele origin: germline. Affected: yes. Observed: 2 variant alleles. Not counted in ClinVar's aggregate classification.

Myriad Genetics, Inc.
Classification: Pathogenic for Lynch syndrome 5. Last evaluated: 2023-08-16. Review status: criteria provided, single submitter. Criteria: Myriad Autosomal Dominant, Autosomal Recessive and X-Linked Classification Criteria (2023). Collection method: clinical testing. Allele origin: unknown. Not counted in ClinVar's aggregate classification.
Comment: This variant is considered pathogenic. This variant creates a termination codon and is predicted to result in premature protein truncation.

Ambry Genetics
Classification: Pathogenic for Hereditary cancer-predisposing syndrome. Last evaluated: 2023-05-12. Review status: criteria provided, single submitter. Criteria: Ambry Variant Classification Scheme 2023. Collection method: clinical testing. Allele origin: germline. Not counted in ClinVar's aggregate classification.
Comment: The p.C687* pathogenic mutation (also known as c.2061T>A), located in coding exon 4 of the MSH6 gene, results from a T to A substitution at nucleotide position 2061. This changes the amino acid from a cystine to a stop codon within coding exon 4. In addition to the clinical data presented in the literature, this alteration is expected to result in loss of function by premature protein truncation or nonsense-mediated mRNA decay. As such, this alteration is interpreted as a disease-causing mutation.

Women's Health and Genetics/Laboratory Corporation of America, LabCorp
Classification: Pathogenic for Hereditary nonpolyposis colon cancer. Last evaluated: 2022-03-19. Review status: criteria provided, single submitter. Criteria: LabCorp Variant Classification Summary - May 2015. Collection method: clinical testing. Allele origin: germline. Not counted in ClinVar's aggregate classification.
Comment: Variant summary: MSH6 c.2061T>A (p.Cys687X) results in a premature termination codon, predicted to cause a truncation of the encoded protein or absence of the protein due to nonsense mediated decay, which are commonly known mechanisms for disease. Truncations downstream of this position have been classified as pathogenic by our laboratory. The variant was absent in 250560 control chromosomes. c.2061T>A has been reported in the literature in at-least two reports of individuals affected with Lynch Syndrome (example, Pino_2009, Baglietto_2010). Five clinical diagnostic laboratories have submitted clinical-significance assessments for this variant to ClinVar after 2014 without evidence for independent evaluation. All laboratories classified the variant as pathogenic. Based on the evidence outlined above, the variant was classified as pathogenic.

Color Diagnostics, LLC DBA Color Health
Classification: Pathogenic for Hereditary cancer-predisposing syndrome. Last evaluated: 2021-07-26. Review status: criteria provided, single submitter. Criteria: ACMG Guidelines, 2015. Collection method: clinical testing. Allele origin: germline. Not counted in ClinVar's aggregate classification.
Comment: This variant changes 1 nucleotide in exon 4 of the MSH6 gene, creating a premature translation stop signal. This variant is expected to result in an absent or non-functional protein product. To our knowledge, functional studies have not been reported for this variant. This variant has been reported in individuals affected with Lynch syndrome (PMID: (19324997, 34039291). This variant has not been identified in the general population by the Genome Aggregation Database (gnomAD). Loss of MSH6 function is a known mechanism of disease. Based on the available evidence, this variant is classified as Pathogenic.

Quest Diagnostics Nichols Institute San Juan Capistrano
Classification: Pathogenic. Last evaluated: 2021-05-18. Review status: criteria provided, single submitter. Criteria: Quest Diagnostics criteria. Collection method: clinical testing. Allele origin: unknown. Not counted in ClinVar's aggregate classification.
Comment: This nonsense variant causes the premature termination of MSH6 protein synthesis. In addition, it has been reported in an individual with Lynch syndrome in the published literature (PMID: 19324997 (2009)). Based on the available information, this variant is classified as pathogenic.

GeneDx
Classification: Pathogenic. Last evaluated: 2017-10-26. Review status: criteria provided, single submitter. Criteria: GeneDx Variant Classification (06012015). Collection method: clinical testing. Allele origin: germline. Affected: yes. Not counted in ClinVar's aggregate classification.
Comment: This pathogenic variant is denoted MSH6 c.2061T>A at the cDNA level and p.Cys687Ter (C687X) atthe protein level. The substitution creates a nonsense variant, which changes a Cysteine to a premature stop codon(TGT>TGA), and is predicted to cause loss of normal protein function through either protein truncation or nonsense-mediated mRNA decay. This variant has been reported in an individual with a tubular adenoma and in a Scottish familywith multiple cases of colorectal or Lynch syndrome cancers (Pino 2009, Baglietto 2010), and is consideredpathogenic.

PreventionGenetics, part of Exact Sciences
Classification: Pathogenic for MSH6-related condition. Last evaluated: 2024-08-01. Review status: no assertion criteria provided. Collection method: clinical testing. Allele origin: germline. Not counted in ClinVar's aggregate classification.
Comment: The MSH6 c.2061T>A variant is predicted to result in premature protein termination (p.Cys687*). This variant was reported in an individual with Lynch Syndrome (Table 1, Pino et al. 2009. PubMed ID: 19324997). This variant has not been reported in a large population database, indicating this variant is rare. This variant is interpreted as pathogenic in ClinVar. Nonsense variants in MSH6 are expected to be pathogenic. This variant is interpreted as pathogenic.

Department of Pathology and Laboratory Medicine, Sinai Health System
Classification: Pathogenic for Endometrial carcinoma. Review status: no assertion criteria provided. Collection method: clinical testing. Allele origin: unknown. Affected: yes. Observed: 2 variant alleles. Study: The Canadian Open Genetics Repository (COGR). Not counted in ClinVar's aggregate classification.
Comment: The p.Cys687X variant was not identified in the literature nor was it identified in the NHLBI Exome Sequencing Project (Exome Variant Server), Exome Aggregation Consortium (ExAC), COSMIC, Mismatch Repair Genes Variant, â€šÃ„ÃºMMR Gene Unclassified Variants, Zhejiang Colon Cancer, GeneInsight through the Canadian Open Genetics Repository databases. The variant was identified in dbSNP (ID: rs 267608068 â€šÃ„ÃºWith Pathogenic alleleâ€šÃ„Ã¹, in InSiGHT Colon Cancer Database (2x classified as pathogenic), in Clinvitae (2x classified as pathogenic), in LOVD as unknown. In the ClinVar database, the variant is classified as a pathogenic variant by InSIGHT and Ambry Genetics. The p.Cys687X variant leads to a premature stop codon at position 687, which is predicted to lead to a truncated or absent protein and loss of function. Loss of function variants of the MSH6 gene are an established mechanism of disease in Lynch syndrome and this is the type of variant expected to cause the disorder. In summary, based on the above information, this variant meets our laboratoryâ€šÃ„Ã´s criteria to be classified as pathogenic.

Mayo Clinic Laboratories, Mayo Clinic
Classification: Likely pathogenic. Review status: no assertion criteria provided. Collection method: clinical testing. Allele origin: unknown. Not counted in ClinVar's aggregate classification.

Literature cited by the submitters: PubMed 18269114 (cited by Labcorp Genetics (formerly Invitae), Labcorp); PubMed 24362816 (cited by Labcorp Genetics (formerly Invitae), Labcorp); PubMed 19324997 (cited by 3 submitters); PubMed 20028993 (cited by Women's Health and Genetics/Laboratory Corporation of America, LabCorp).